The following is an entry in ClinVar:

ClinVar aggregate classification (germline): Uncertain significance (1 of 4 stars; one submission).

Allele frequency attached by ClinVar (database versions not stated): gnomAD exomes below 0.00001.

Submission:

GeneDx
Classification: Uncertain significance. Last evaluated: 2022-11-16. Review status: criteria provided, single submitter. Criteria: GeneDx Variant Classification Process June 2021. Collection method: clinical testing. Allele origin: germline. Affected: yes.
Comment: Not observed at significant frequency in large population cohorts (gnomAD); In silico analysis supports that this missense variant has a deleterious effect on protein structure/function; Has not been previously published as pathogenic or benign to our knowledge

NM_001112741.2(KCNC1):c.722C>T (p.Thr241Met)

Gene: KCNC1 (potassium voltage-gated channel subfamily C member 1; plus strand). Cytogenetic location: 11p15.1.
Variant type: single nucleotide variant.
Coding change: c.722C>T on transcript NM_001112741.2 (MANE Select); coding-DNA position 722, C replaced by T.
Protein change: p.Thr241Met; replaces threonine 241 with methionine.
Molecular consequence: missense variant.
Genome position (GRCh38, 1-based): chr11:17,771,816, C>T. VCF-style: chr11-17771816-C-T. GRCh37 (hg19) VCF-style: chr11-17793363-C-T.
Other names: c.722C>T, p.Thr241Met (NM_004976.4); short protein forms T241M.
Identifiers: ClinVar variation 2503135 (VCV002503135.1), dbSNP rs2497799496, ClinGen allele CA379805965.